The following is an entry in ClinVar:

NM_006766.5(KAT6A):c.274G>A (p.Asp92Asn)

Gene: KAT6A (lysine acetyltransferase 6A; minus strand). Cytogenetic location: 8p11.21.
Variant type: single nucleotide variant.
Coding change: c.274G>A on transcript NM_006766.5 (MANE Select); coding-DNA position 274, G replaced by A.
Protein change: p.Asp92Asn; replaces aspartic acid 92 with asparagine.
Molecular consequence: missense variant.
Genome position (GRCh38, 1-based): chr8:42,048,704, C>T on the plus strand (G>A on the coding strand, the complement: KAT6A is on the minus strand). VCF-style: chr8-42048704-C-T. GRCh37 (hg19) VCF-style: chr8-41906222-C-T.
Other names: c.274G>A, p.Asp92Asn (NM_001305878.2); short protein forms D92N.
Identifiers: ClinVar variation 1970598 (VCV001970598.5), dbSNP rs1183558160, ClinGen allele CA371175032.

ClinVar aggregate classification (germline): Uncertain significance (1 of 4 stars; one submission).

Allele frequency attached by ClinVar (database versions not stated): gnomAD exomes below 0.00001; TOPMed 0.00001.
gnomAD v4.1: 6 of 1,614,218 alleles (0.00037%); highest among the groups gnomAD compares: Non-Finnish European, 0.00051%; no homozygotes.

Submission:

Labcorp Genetics (formerly Invitae), Labcorp
Classification: Uncertain significance. Last evaluated: 2022-08-22. Review status: criteria provided, single submitter. Criteria: Invitae Variant Classification Sherloc (09022015). Collection method: clinical testing. Allele origin: germline.
Comment: In summary, the available evidence is currently insufficient to determine the role of this variant in disease. Therefore, it has been classified as a Variant of Uncertain Significance. Algorithms developed to predict the effect of missense changes on protein structure and function are either unavailable or do not agree on the potential impact of this missense change (SIFT: "Tolerated"; PolyPhen-2: "Possibly Damaging"; Align-GVGD: "Class C0"). This variant has not been reported in the literature in individuals affected with KAT6A-related conditions. This variant is not present in population databases (gnomAD no frequency). This sequence change replaces aspartic acid, which is acidic and polar, with asparagine, which is neutral and polar, at codon 92 of the KAT6A protein (p.Asp92Asn).